The following is an entry in ClinVar:

NM_032608.7(MYO18B):c.409C>T (p.Pro137Ser)

Gene: MYO18B (myosin XVIIIB; plus strand). Cytogenetic location: 22q12.1.
Variant type: single nucleotide variant.
Coding change: c.409C>T on transcript NM_032608.7 (MANE Select); coding-DNA position 409, C replaced by T.
Protein change: p.Pro137Ser; replaces proline 137 with serine.
Molecular consequence: missense variant.
Genome position (GRCh38, 1-based): chr22:25,768,325, C>T. VCF-style: chr22-25768325-C-T. GRCh37 (hg19) VCF-style: chr22-26164292-C-T.
Other names: c.409C>T, p.Pro137Ser (NM_001318245.2); c.409C>T (NM_032608.5); short protein forms P137S.
Identifiers: ClinVar variation 1447150 (VCV001447150.5), dbSNP rs536192987, ClinGen allele CA10159573.

ClinVar aggregate classification (germline): Uncertain significance. Review status: criteria provided, multiple submitters, no conflicts (2 of 4 stars). 2 submissions from 2 submitters: Uncertain significance (2). Last evaluated 2025-07-16.

Conditions:
Inborn genetic diseases. Identifiers: MedGen C0950123, MeSH D030342.

Allele frequency attached by ClinVar (database versions not stated): gnomAD exomes below 0.00001 and 0.00001; TOPMed below 0.00001; ExAC 0.00001; gnomAD 0.00001; 1000 Genomes Project 30x 0.00016; 1000 Genomes Project 0.00020.

Submissions (2):

Labcorp Genetics (formerly Invitae), Labcorp
Classification: Uncertain significance. Last evaluated: 2025-07-16. Review status: criteria provided, single submitter. Criteria: Invitae Variant Classification Sherloc (09022015). Collection method: clinical testing. Allele origin: germline.
Comment: This sequence change replaces proline, which is neutral and non-polar, with serine, which is neutral and polar, at codon 137 of the MYO18B protein (p.Pro137Ser). This variant is present in population databases (rs536192987, gnomAD 0.007%). This variant has not been reported in the literature in individuals affected with MYO18B-related conditions. ClinVar contains an entry for this variant (Variation ID: 1447150). An algorithm developed to predict the effect of missense changes on protein structure and function (PolyPhen-2) suggests that this variant is likely to be disruptive. In summary, the available evidence is currently insufficient to determine the role of this variant in disease. Therefore, it has been classified as a Variant of Uncertain Significance.

Ambry Genetics
Classification: Uncertain significance for Inborn genetic diseases. Last evaluated: 2025-06-07. Review status: criteria provided, single submitter. Criteria: Ambry Variant Classification Scheme 2023. Collection method: clinical testing. Allele origin: germline.